The following is an entry in ClinVar:

NM_000152.5(GAA):c.2190-647G>A

Gene: GAA (alpha glucosidase; plus strand). Cytogenetic location: 17q25.3.
Variant type: single nucleotide variant.
Coding change: c.2190-647G>A on transcript NM_000152.5 (MANE Select); 647 bases into the intron before coding-DNA position 2190, G replaced by A.
Molecular consequence: intron variant.
Genome position (GRCh38, 1-based): chr17:80,116,321, G>A. VCF-style: chr17-80116321-G-A. GRCh37 (hg19) VCF-style: chr17-78090120-G-A.
Other names: c.2190-647G>A (NM_001406741.1, NM_001406742.1, NM_001079803.3 and 1 more transcripts).
Identifiers: ClinVar variation 4876379 (VCV004876379.1).

ClinVar aggregate classification (germline): Benign (1 of 4 stars; one submission).

Conditions:
Glycogen storage disease, type II (IOPD). Also called: Pompe Disease; CARDIOMEGALIA GLYCOGENICA DIFFUSA; GLYCOGENOSIS, GENERALIZED, CARDIAC FORM; GSD II; POMPE DISEASE, INFANTILE-ONSET; GLYCOGEN STORAGE DISEASE II, INFANTILE-ONSET. Identifiers: Orphanet 365, MedGen C0017921, MONDO:0009290, OMIM 232300.

gnomAD v4.1: 12,930 of 152,210 alleles (8.5%); highest among the groups gnomAD compares: East Asian, 25%; 756 homozygotes.

Submission:

Genomenon, Inc
Classification: Benign for Glycogen storage disease, type II. Last evaluated: 2026-07-01. Review status: criteria provided, single submitter. Criteria: Genomenon Sequence Variant Interpretation Standards - Updated. Collection method: curation. Allele origin: germline. Affected: no.
Comment: GAA c.2190-647G>A is an intronic variant located in intron 15. This variant is present at high allele frequency in population databases. We classify GAA c.2190-647G>A as a benign variant.